The following is an entry in ClinVar:

ClinVar aggregate classification (germline): Uncertain significance. Review status: criteria provided, multiple submitters, no conflicts (2 of 4 stars). 2 submissions from 2 submitters: Uncertain significance (2). Last evaluated 2025-11-08.

Conditions:
Dyskeratosis congenita. Identifiers: Orphanet 1775, MedGen C0265965, MONDO:0015780.

Submissions (2):

Ambry Genetics
Classification: Uncertain significance for Dyskeratosis congenita. Last evaluated: 2025-11-08. Review status: criteria provided, single submitter. Criteria: Ambry Variant Classification Scheme 2023. Collection method: clinical testing. Allele origin: germline.

Labcorp Genetics (formerly Invitae), Labcorp
Classification: Uncertain significance for Dyskeratosis congenita. Last evaluated: 2021-01-14. Review status: criteria provided, single submitter. Criteria: Invitae Variant Classification Sherloc (09022015). Collection method: clinical testing. Allele origin: germline.
Comment: In summary, the available evidence is currently insufficient to determine the role of this variant in disease. Therefore, it has been classified as a Variant of Uncertain Significance. Algorithms developed to predict the effect of missense changes on protein structure and function are either unavailable or do not agree on the potential impact of this missense change (SIFT: "Deleterious"; PolyPhen-2: "Possibly Damaging"; Align-GVGD: "Class C15"). This variant has not been reported in the literature in individuals with NHP2-related conditions. This variant is not present in population databases (ExAC no frequency). This sequence change replaces glycine with arginine at codon 63 of the NHP2 protein (p.Gly63Arg). The glycine residue is highly conserved and there is a moderate physicochemical difference between glycine and arginine.

NM_017838.4(NHP2):c.187G>C (p.Gly63Arg)

Gene: NHP2 (NHP2 ribonucleoprotein; minus strand). Cytogenetic location: 5q35.3.
Variant type: single nucleotide variant.
Coding change: c.187G>C on transcript NM_017838.4 (MANE Select); coding-DNA position 187, G replaced by C.
Protein change: p.Gly63Arg; replaces glycine 63 with arginine.
Molecular consequence: missense variant.
Genome position (GRCh38, 1-based): chr5:178,153,534, C>G on the plus strand (G>C on the coding strand, the complement: NHP2 is on the minus strand). VCF-style: chr5-178153534-C-G. GRCh37 (hg19) VCF-style: chr5-177580535-C-G.
Other names: c.187G>C, p.Gly63Arg (NM_001034833.2); short protein forms G63R.
Identifiers: ClinVar variation 945687 (VCV000945687.10), dbSNP rs1756326801, ClinGen allele CA362392526.